The following is an entry in ClinVar:

ClinVar aggregate classification (germline): Uncertain significance. Review status: criteria provided, multiple submitters, no conflicts (2 of 4 stars). 2 submissions from 2 submitters: Uncertain significance (2). Last evaluated 2024-07-11.

Conditions:
DOCK2 deficiency. Also called: Immunodeficiency 40. Identifiers: Orphanet 447737, MedGen C4225328, MONDO:0014637, OMIM 616433.

Allele frequency attached by ClinVar (database versions not stated): gnomAD 0.00001 and 0.00002; ExAC 0.00002; gnomAD exomes 0.00002; TOPMed 0.00002.
gnomAD v4.1: 30 of 1,613,810 alleles (0.0019%); highest among the groups gnomAD compares: African/African-American, 0.0067%; no homozygotes.

Submissions (2):

Blueprint Genetics
Classification: Uncertain significance. Last evaluated: 2024-07-11. Review status: criteria provided, single submitter. Criteria: ACMG Guidelines, 2015. Collection method: clinical testing. Allele origin: germline.

Labcorp Genetics (formerly Invitae), Labcorp
Classification: Uncertain significance for DOCK2 deficiency. Last evaluated: 2022-07-19. Review status: criteria provided, single submitter. Criteria: Invitae Variant Classification Sherloc (09022015). Collection method: clinical testing. Allele origin: germline.
Comment: ClinVar contains an entry for this variant (Variation ID: 1017132). In summary, the available evidence is currently insufficient to determine the role of this variant in disease. Therefore, it has been classified as a Variant of Uncertain Significance. Algorithms developed to predict the effect of missense changes on protein structure and function are either unavailable or do not agree on the potential impact of this missense change (SIFT: "Tolerated"; PolyPhen-2: "Possibly Damaging"; Align-GVGD: "Class C0"). This variant has not been reported in the literature in individuals affected with DOCK2-related conditions. This variant is present in population databases (rs771330901, gnomAD 0.02%). This sequence change replaces arginine, which is basic and polar, with cysteine, which is neutral and slightly polar, at codon 1638 of the DOCK2 protein (p.Arg1638Cys).

NM_004946.3(DOCK2):c.4912C>T (p.Arg1638Cys)

Gene: DOCK2 (dedicator of cytokinesis 2; plus strand). Cytogenetic location: 5q35.1.
Variant type: single nucleotide variant.
Coding change: c.4912C>T on transcript NM_004946.3 (MANE Select); coding-DNA position 4912, C replaced by T.
Protein change: p.Arg1638Cys; replaces arginine 1638 with cysteine.
Molecular consequence: missense variant. On other transcripts: non-coding transcript variant (1).
Genome position (GRCh38, 1-based): chr5:170,077,755, C>T. VCF-style: chr5-170077755-C-T. GRCh37 (hg19) VCF-style: chr5-169504759-C-T.
Other names: short protein forms R1638C.
Identifiers: ClinVar variation 1017132 (VCV001017132.8), dbSNP rs771330901, ClinGen allele CA3554694.